The following is an entry in ClinVar:

ClinVar aggregate classification (germline): Pathogenic (1 of 4 stars; one submission).

Conditions:
Duchenne muscular dystrophy (DMD). Also called: MUSCULAR DYSTROPHY, PSEUDOHYPERTROPHIC PROGRESSIVE, DUCHENNE TYPE; Duchenne Muscular Dystrophy (DMD). Identifiers: Orphanet 98896, MedGen C0013264, MONDO:0010679, OMIM 310200.

Submission:

Labcorp Genetics (formerly Invitae), Labcorp
Classification: Pathogenic for Duchenne muscular dystrophy. Last evaluated: 2022-08-23. Review status: criteria provided, single submitter. Criteria: Invitae Variant Classification Sherloc (09022015). Collection method: clinical testing. Allele origin: unknown.
Comment: This variant results in a copy number gain of the genomic region encompassing exon(s) 63 of the DMD gene. While the exact position of this variant cannot be determined from the data, sub-genic copy number gains are generally in tandem (PMID: 25640679). This variant is predicted to be out-of-frame, and may result in an absent or disrupted protein product. Loss-of-function variants in DMD are known to be pathogenic (PMID: 16770791, 25007885). A similar copy number variant has been observed in individuals with Duchenne muscular dystrophy (PMID: 25482253, 31705731). For these reasons, this variant has been classified as Pathogenic.

Literature cited by the submitters: PubMed 25640679; PubMed 16770791; PubMed 25007885; PubMed 25482253; PubMed 31705731.

NC_000023.10:g.(?_31279062)_(31279781_?)dup

Gene: DMD (dystrophin; minus strand). Cytogenetic location: Xp21.2.
Variant type: Duplication.
Identifiers: ClinVar variation 3242734 (VCV003242734.1).